The following is an entry in ClinVar:

NM_152743.4(BRAT1):c.2133C>T (p.Cys711=)

Gene: BRAT1 (BRCA1 associated ATM activator 1; minus strand). Cytogenetic location: 7p22.3.
Variant type: single nucleotide variant.
Coding change: c.2133C>T on transcript NM_152743.4 (MANE Select); coding-DNA position 2133, C replaced by T.
Protein change: p.Cys711=; no amino-acid change (cysteine 711 retained).
Molecular consequence: synonymous variant. On other transcripts: non-coding transcript variant (1).
Genome position (GRCh38, 1-based): chr7:2,538,402, G>A on the plus strand (C>T on the coding strand, the complement: BRAT1 is on the minus strand). VCF-style: chr7-2538402-G-A. GRCh37 (hg19) VCF-style: chr7-2578036-G-A.
Other names: c.2313C>T, p.Cys771= (NM_001350626.2); c.1608C>T, p.Cys536= (NM_001350627.2).
Identifiers: ClinVar variation 472959 (VCV000472959.42), dbSNP rs149690979, ClinGen allele CA4127448.

ClinVar aggregate classification (germline): Likely benign. Review status: criteria provided, multiple submitters, no conflicts (2 of 4 stars). 3 submissions from 3 submitters: Likely benign (3). Last evaluated 2025-03-31.

Conditions:
Neonatal-onset encephalopathy with rigidity and seizures. Also called: Lethal neonatal spasticity-epileptic encephalopathy syndrome. Identifiers: Orphanet 435845, MedGen C3281029, MONDO:0013784, OMIM 614498.

Allele frequency attached by ClinVar (database versions not stated): TOPMed below 0.00001; gnomAD 0.00001; gnomAD exomes 0.00001; ExAC 0.00003; ESP Exome Variant Server 0.00008.

Submissions (3):

Labcorp Genetics (formerly Invitae), Labcorp
Classification: Likely benign for Neonatal-onset encephalopathy with rigidity and seizures. Last evaluated: 2025-03-31. Review status: criteria provided, single submitter. Criteria: Invitae Variant Classification Sherloc (09022015). Collection method: clinical testing. Allele origin: germline.

CeGaT Center for Human Genetics Tuebingen
Classification: Likely benign. Last evaluated: 2022-04-01. Review status: criteria provided, single submitter. Criteria: CeGaT Center For Human Genetics Tuebingen Variant Classification Criteria Version 2. Collection method: clinical testing. Allele origin: germline. Affected: yes. Observed: 1 variant allele.
Comment: BRAT1: BP4, BP7

Blueprint Genetics
Classification: Likely benign. Last evaluated: 2020-01-02. Review status: criteria provided, single submitter. Criteria: ACMG Guidelines, 2015. Collection method: clinical testing. Allele origin: germline.